The following is an entry in ClinVar:

NM_004655.4(AXIN2):c.1949G>C (p.Arg650Pro)

Gene: AXIN2 (axin 2; minus strand). Cytogenetic location: 17q24.1.
Variant type: single nucleotide variant.
Coding change: c.1949G>C on transcript NM_004655.4 (MANE Select); coding-DNA position 1949, G replaced by C.
Protein change: p.Arg650Pro; replaces arginine 650 with proline.
Molecular consequence: missense variant.
Genome position (GRCh38, 1-based): chr17:65,536,512, C>G on the plus strand (G>C on the coding strand, the complement: AXIN2 is on the minus strand). VCF-style: chr17-65536512-C-G. GRCh37 (hg19) VCF-style: chr17-63532630-C-G.
Other names: c.1754G>C, p.Arg585Pro (NM_001363813.1); short protein forms R585P, R650P.
Identifiers: ClinVar variation 843355 (VCV000843355.9), dbSNP rs199719878, ClinGen allele CA400676274.
Genomic context (GRCh38, chr17:65,536,512, plus strand): 5'-GGGTGCCCGCTGTTGCCCCCCCACAGATGGTGCCGGCTGGCTCGTTCGCCTGGAGACGAG[C>G]GGGCAGACTCCAAGGGGTAGGCCTTTTTTGTGCTTTGGGCACTAAACAAGGAATGAGCAG-3'
Protein context (NP_004646.3, residues 640-660): TKKAYPLESA[Arg650Pro]SSPGERASRH

ClinVar aggregate classification (germline): Uncertain significance (1 of 4 stars; one submission).

Conditions:
Oligodontia-cancer predisposition syndrome. Also called: TOOTH AGENESIS-COLORECTAL CANCER SYNDROME. Identifiers: Orphanet 300576, MedGen C1837750, MONDO:0012075, OMIM 608615. Disease mechanism: loss of function.

Submission:

Labcorp Genetics (formerly Invitae), Labcorp
Classification: Uncertain significance for Oligodontia-cancer predisposition syndrome. Last evaluated: 2025-01-15. Review status: criteria provided, single submitter. Criteria: Invitae Variant Classification Sherloc (09022015). Collection method: clinical testing. Allele origin: germline.
Comment: This sequence change replaces arginine, which is basic and polar, with proline, which is neutral and non-polar, at codon 650 of the AXIN2 protein (p.Arg650Pro). This variant is not present in population databases (gnomAD no frequency). This variant has not been reported in the literature in individuals affected with AXIN2-related conditions. ClinVar contains an entry for this variant (Variation ID: 843355). Invitae Evidence Modeling of protein sequence and biophysical properties (such as structural, functional, and spatial information, amino acid conservation, physicochemical variation, residue mobility, and thermodynamic stability) indicates that this missense variant is not expected to disrupt AXIN2 protein function with a negative predictive value of 80%. In summary, the available evidence is currently insufficient to determine the role of this variant in disease. Therefore, it has been classified as a Variant of Uncertain Significance.